The following is an entry in ClinVar:

ClinVar aggregate classification (germline): Pathogenic/Likely pathogenic. Review status: criteria provided, multiple submitters, no conflicts (2 of 4 stars). 2 submissions from 2 submitters: Pathogenic (1); Likely pathogenic (1). Last evaluated 2025-03-21.

Conditions:
COL11A1-related disorder. Also called: COL11A1-related condition; COL11A1-related disorders.

Submissions (2):

PreventionGenetics, part of Exact Sciences
Classification: Likely pathogenic for COL11A1-related condition. Last evaluated: 2025-03-21. Review status: criteria provided, single submitter. Criteria: ACMG Guidelines, 2015. Collection method: clinical testing. Allele origin: germline.
Comment: The COL11A1 c.4086+1G>A variant is predicted to disrupt the GT donor site and interfere with normal splicing. This variant has been reported in an individual with clinical features suggestive of Marshall or Stickler syndrome (variant referred to as G+1IVS54-A in Annunen et al. 1999. PubMed ID: 10486316). This variant has not been reported in a large population database (gnomAD), indicating this variant is rare. Variants that disrupt the consensus splice donor site in COL11A1 are expected to be pathogenic. This variant is interpreted as likely pathogenic.

Labcorp Genetics (formerly Invitae), Labcorp
Classification: Pathogenic. Last evaluated: 2025-03-13. Review status: criteria provided, single submitter. Criteria: Invitae Variant Classification Sherloc (09022015). Collection method: clinical testing. Allele origin: germline.
Comment: This sequence change affects a donor splice site in intron 54 of the COL11A1 gene. It is expected to disrupt RNA splicing. Variants that disrupt the donor or acceptor splice site typically lead to a loss of protein function (PMID: 16199547), and loss-of-function variants in COL11A1 are known to be pathogenic (PMID: 20513134, 21035103, 23922384, 25240749, 32427345, 32756486). This variant is not present in population databases (gnomAD no frequency). Disruption of this splice site has been observed in individuals with autosomal dominant COL11A1-related conditions (PMID: 10486316; internal data). This variant is also known as G+1IVS54>A. Algorithms developed to predict the effect of sequence changes on RNA splicing suggest that this variant may disrupt the consensus splice site. For these reasons, this variant has been classified as Pathogenic.

Literature cited by the submitters: PubMed 16199547 (cited by Labcorp Genetics (formerly Invitae), Labcorp); PubMed 20513134 (cited by Labcorp Genetics (formerly Invitae), Labcorp); PubMed 21035103 (cited by Labcorp Genetics (formerly Invitae), Labcorp); PubMed 23922384 (cited by Labcorp Genetics (formerly Invitae), Labcorp); PubMed 25240749 (cited by Labcorp Genetics (formerly Invitae), Labcorp); PubMed 32427345 (cited by Labcorp Genetics (formerly Invitae), Labcorp); PubMed 32756486 (cited by Labcorp Genetics (formerly Invitae), Labcorp); PubMed 10486316 (cited by Labcorp Genetics (formerly Invitae), Labcorp).

NM_001854.4(COL11A1):c.4086+1G>A

Gene: COL11A1 (collagen type XI alpha 1 chain; minus strand). Cytogenetic location: 1p21.1.
Variant type: single nucleotide variant.
Coding change: c.4086+1G>A on transcript NM_001854.4 (MANE Select); the canonical splice donor site of the intron after coding-DNA position 4086, G replaced by A.
Molecular consequence: splice donor variant.
Genome position (GRCh38, 1-based): chr1:102,912,158, C>T on the plus strand (G>A on the coding strand, the complement: COL11A1 is on the minus strand). VCF-style: chr1-102912158-C-T. GRCh37 (hg19) VCF-style: chr1-103377714-C-T.
Other names: c.3969+1G>A (NM_001190709.2); c.4122+1G>A (NM_080629.3); c.3738+1G>A (NM_080630.4); c.4086+1G>A (NM_001854.3).
Identifiers: ClinVar variation 4746874 (VCV004746874.2).